The following is an entry in ClinVar:

ClinVar aggregate classification (germline): Pathogenic (1 of 4 stars; one submission).

Submission:

CeGaT Center for Human Genetics Tuebingen
Classification: Pathogenic. Last evaluated: 2026-04-01. Review status: criteria provided, single submitter. Criteria: CeGaT Center For Human Genetics Tuebingen Variant Classification Criteria Version 2. Collection method: clinical testing. Allele origin: germline. Affected: yes. Observed: 1 variant allele.
Comment: ERCC8: PVS1, PM2

NM_000082.4(ERCC8):c.607del (p.Ala203fs)

Gene: ERCC8 (ERCC excision repair 8, CSA ubiquitin ligase complex subunit; minus strand). Cytogenetic location: 5q12.1.
Variant type: Deletion.
Coding change: c.607del on transcript NM_000082.4 (MANE Select); coding-DNA position 607, one base deleted (G; older notation c.607delG).
Protein change: p.Ala203fs; shifts the reading frame from alanine 203.
Molecular consequence: frameshift variant.
Genome position (GRCh38, 1-based): chr5:60,902,452, C deleted on the plus strand (G on the coding strand, the reverse complement: ERCC8 is on the minus strand); the first of 2 consecutive C bases (chr5:60,902,452-60,902,453); deleting either gives the same sequence. VCF-style (leftmost placement, unchanged base first): chr5-60902451-GC-G. GRCh37 (hg19) VCF-style: chr5-60198278-GC-G.
Other names: c.433del, p.Ala145fs (NM_001007233.3); c.148del, p.Ala50fs (NM_001290285.2); short protein forms A145fs, A203fs, A50fs.
Identifiers: ClinVar variation 4874578 (VCV004874578.2).
Genomic context (GRCh38, chr5:60,902,451, plus strand): 5'-AAATGCTTATTATTAATTACTAACTTCAAAAGCAAATAAGTTAAATTTTACCTTGCTGTT[GC>G]CAAGATATAGTCATAACGTGGAGACCAGGAAACTGCTAATATTTCTTGTCTGTGACCTGC-3'